The following is an entry in ClinVar:

NM_001042492.3(NF1):c.2990+2T>C

Gene: NF1 (neurofibromin 1; plus strand). Cytogenetic location: 17q11.2.
Variant type: single nucleotide variant.
Coding change: c.2990+2T>C on transcript NM_001042492.3 (MANE Select); the canonical splice donor site of the intron after coding-DNA position 2990, T replaced by C.
Molecular consequence: splice donor variant.
Genome position (GRCh38, 1-based): chr17:31,229,976, T>C. VCF-style: chr17-31229976-T-C. GRCh37 (hg19) VCF-style: chr17-29556994-T-C.
Other names: c.2990+2T>C (NM_000267.4).
Identifiers: ClinVar variation 1448145 (VCV001448145.8), dbSNP rs2151430861, ClinGen allele CA398986467.

ClinVar aggregate classification (germline): Pathogenic (1 of 4 stars; one submission).

Conditions:
Neurofibromatosis, type 1 (NF1). Also called: NEUROFIBROMATOSIS, TYPE I, SOMATIC; VON RECKLINGHAUSEN DISEASE; Peripheral type neurofibromatosis; Neurofibromatosis, type I. Identifiers: Orphanet 636, MedGen C0027831, MONDO:0018975, OMIM 162200. Disease mechanism: loss of function.

Submission:

Labcorp Genetics (formerly Invitae), Labcorp
Classification: Pathogenic for Neurofibromatosis, type 1. Last evaluated: 2025-11-03. Review status: criteria provided, single submitter. Criteria: Invitae Variant Classification Sherloc (09022015). Collection method: clinical testing. Allele origin: germline.
Comment: This sequence change affects a donor splice site in intron 22 of the NF1 gene. It is expected to disrupt RNA splicing. Variants that disrupt the donor or acceptor splice site typically lead to a loss of protein function (PMID: 16199547), and loss-of-function variants in NF1 are known to be pathogenic (PMID: 10712197, 23913538). This variant is not present in population databases (gnomAD no frequency). Disruption of this splice site has been observed in individual(s) with neurofibromatosis type-1 (PMID: 17311297, 31730495; internal data). ClinVar contains an entry for this variant (Variation ID: 1448145). Algorithms developed to predict the effect of sequence changes on RNA splicing suggest that this variant may disrupt the consensus splice site. For these reasons, this variant has been classified as Pathogenic.

Literature cited by the submitters: PubMed 16199547; PubMed 10712197; PubMed 23913538; PubMed 17311297; PubMed 31730495.